The following is an entry in ClinVar:

ClinVar aggregate classification (germline): Uncertain significance (0 of 4 stars; one submission).

Conditions:
Fanconi anemia complementation group A (FANCA). Also called: Fanconi anemia, group A; FANCA-Related Fanconi Anemia. Identifiers: Orphanet 84, MedGen C3469521, MONDO:0009215, OMIM 227650.

Submission:

Leiden Open Variation Database
Classification: Uncertain significance for Fanconi anemia complementation group A. Last evaluated: 2020-02-28. Review status: no assertion criteria provided. Collection method: curation. Allele origin: germline. Affected: yes.
Comment: Curator: Arleen D. Auerbach. Submitter to LOVD: Arleen D. Auerbach.

NC_000016.9:g.(89815176_89816137)_(89866047_89869666)del

Gene: FANCA (FA complementation group A; minus strand). Cytogenetic location: 16q24.3.
Variant type: Deletion.
Identifiers: ClinVar variation 974103 (VCV000974103.1).